The following is an entry in ClinVar:

ClinVar aggregate classification (germline): Uncertain significance (1 of 4 stars; one submission).

Submission:

Labcorp Genetics (formerly Invitae), Labcorp
Classification: Uncertain significance. Last evaluated: 2022-09-19. Review status: criteria provided, single submitter. Criteria: Invitae Variant Classification Sherloc (09022015). Collection method: clinical testing. Allele origin: germline.
Comment: In summary, the available evidence is currently insufficient to determine the role of this variant in disease. Therefore, it has been classified as a Variant of Uncertain Significance. This variant has not been reported in the literature in individuals affected with RTTN-related conditions. This variant results in a copy number gain of the genomic region encompassing exon(s) 1-34 of the RTTN gene. This region includes the initiator codon of the gene. This copy number gain extends beyond the assayed region for this gene and therefore may encompass additional genes. As the precise location of this event is unknown, it may be in tandem or it may be located elsewhere in the genome.

NC_000018.9:g.(?_67741122)_(67872894_?)dup

Gene: RTTN (rotatin; minus strand). Cytogenetic location: 18q22.2.
Variant type: Duplication.
Identifiers: ClinVar variation 2427505 (VCV002427505.4).